The following is an entry in ClinVar:

NM_001302998.2(LIPI):c.46+3896A>G

Gene: LIPI (lipase I; minus strand). Cytogenetic location: 21q11.2.
Variant type: single nucleotide variant.
Coding change: c.46+3896A>G on transcript NM_001302998.2 (MANE Select); 3896 bases into the intron after coding-DNA position 46, A replaced by G.
Molecular consequence: intron variant. On other transcripts: 5 prime UTR variant (1).
Genome position (GRCh38, 1-based): chr21:14,206,904, T>C on the plus strand (A>G on the coding strand, the complement: LIPI is on the minus strand). VCF-style: chr21-14206904-T-C. GRCh37 (hg19) VCF-style: chr21-15579225-T-C.
Other names: c.-179A>G (NM_198996.4); c.46+3896A>G (NM_001379566.1, NM_001302999.2, NM_001379565.1 and 2 more transcripts).
Identifiers: ClinVar variation 3710881 (VCV003710881.2).

ClinVar aggregate classification (germline): Uncertain significance (1 of 4 stars; one submission).

gnomAD v4.1: 30 of 1,609,808 alleles (0.0019%); highest among the groups gnomAD compares: Non-Finnish European, 0.0024%; no homozygotes.

Submission:

Labcorp Genetics (formerly Invitae), Labcorp
Classification: Uncertain significance. Last evaluated: 2024-08-27. Review status: criteria provided, single submitter. Criteria: Invitae Variant Classification Sherloc (09022015). Collection method: clinical testing. Allele origin: germline.
Comment: This sequence change replaces histidine, which is basic and polar, with arginine, which is basic and polar, at codon 7 of the LIPI protein (p.His7Arg). This variant is present in population databases (rs773619059, gnomAD 0.006%). This variant has not been reported in the literature in individuals affected with LIPI-related conditions. An algorithm developed to predict the effect of missense changes on protein structure and function (PolyPhen-2) suggests that this variant is likely to be tolerated. In summary, the available evidence is currently insufficient to determine the role of this variant in disease. Therefore, it has been classified as a Variant of Uncertain Significance.